The following is an entry in ClinVar:

NM_001388306.1(MIDN):c.927C>T (p.Gly309=)

Gene: MIDN (midnolin; plus strand). Cytogenetic location: 19p13.3.
Variant type: single nucleotide variant.
Coding change: c.927C>T on transcript NM_001388306.1 (MANE Select); coding-DNA position 927, C replaced by T.
Protein change: p.Gly309=; no amino-acid change (glycine 309 retained).
Molecular consequence: synonymous variant.
Genome position (GRCh38, 1-based): chr19:1,255,003, C>T. VCF-style: chr19-1255003-C-T. GRCh37 (hg19) VCF-style: chr19-1255002-C-T.
Other names: c.795C>T, p.Gly265= (NM_001388307.1); c.798C>T, p.Gly266= (NM_001388474.1, NM_177401.5).
Identifiers: ClinVar variation 2648910 (VCV002648910.24), dbSNP rs146446826, ClinGen allele CA9040776.

ClinVar aggregate classification (germline): Likely benign (1 of 4 stars; one submission).

Allele frequency attached by ClinVar (database versions not stated): 1000 Genomes Project 0.00100; 1000 Genomes Project 30x 0.00109; gnomAD 0.00454; TOPMed 0.00491; ExAC 0.00536; gnomAD exomes 0.00581; ESP Exome Variant Server 0.00707.
gnomAD v4.1: 9,305 of 1,613,290 alleles (0.58%); highest among the groups gnomAD compares: Middle Eastern, 1.8%; 41 homozygotes.

Submission:

CeGaT Center for Human Genetics Tuebingen
Classification: Likely benign. Last evaluated: 2023-03-01. Review status: criteria provided, single submitter. Criteria: CeGaT Center For Human Genetics Tuebingen Variant Classification Criteria Version 2. Collection method: clinical testing. Allele origin: germline. Affected: yes. Observed: 1 variant allele.
Comment: MIDN: BP4, BP7, BS2